The following is an entry in ClinVar:

ClinVar aggregate classification (germline): Uncertain significance. Review status: criteria provided, multiple submitters, no conflicts (2 of 4 stars). 2 submissions from 2 submitters: Uncertain significance (2). Last evaluated 2024-11-06.

Conditions:
Dilated cardiomyopathy 1HH (CMD1HH). Identifiers: Orphanet 154, MedGen C3151293, MONDO:0013479, OMIM 613881.
Myofibrillar myopathy 6. Identifiers: Orphanet 199340, MedGen C2751831, MONDO:0013061, OMIM 612954.

Allele frequency attached by ClinVar (database versions not stated): gnomAD exomes below 0.00001.
gnomAD v4.1: 4 of 1,613,924 alleles (0.00025%); highest among the groups gnomAD compares: Non-Finnish European, 0.00034%; no homozygotes.

Submissions (2):

Labcorp Genetics (formerly Invitae), Labcorp
Classification: Uncertain significance for Dilated cardiomyopathy 1HH; Myofibrillar myopathy 6. Last evaluated: 2024-11-06. Review status: criteria provided, single submitter. Criteria: Invitae Variant Classification Sherloc (09022015). Collection method: clinical testing. Allele origin: germline.
Comment: This sequence change replaces histidine, which is basic and polar, with tyrosine, which is neutral and polar, at codon 296 of the BAG3 protein (p.His296Tyr). This variant is not present in population databases (gnomAD no frequency). This variant has not been reported in the literature in individuals affected with BAG3-related conditions. ClinVar contains an entry for this variant (Variation ID: 660129). Invitae Evidence Modeling of protein sequence and biophysical properties (such as structural, functional, and spatial information, amino acid conservation, physicochemical variation, residue mobility, and thermodynamic stability) indicates that this missense variant is not expected to disrupt BAG3 protein function with a negative predictive value of 80%. In summary, the available evidence is currently insufficient to determine the role of this variant in disease. Therefore, it has been classified as a Variant of Uncertain Significance.

Blueprint Genetics
Classification: Uncertain significance. Last evaluated: 2023-06-29. Review status: criteria provided, single submitter. Criteria: ACMG Guidelines, 2015. Collection method: clinical testing. Allele origin: germline.

NM_004281.4(BAG3):c.886C>T (p.His296Tyr)

Gene: BAG3 (BAG cochaperone 3; plus strand). Cytogenetic location: 10q26.11.
Variant type: single nucleotide variant.
Coding change: c.886C>T on transcript NM_004281.4 (MANE Select); coding-DNA position 886, C replaced by T.
Protein change: p.His296Tyr; replaces histidine 296 with tyrosine.
Molecular consequence: missense variant.
Genome position (GRCh38, 1-based): chr10:119,672,633, C>T. VCF-style: chr10-119672633-C-T. GRCh37 (hg19) VCF-style: chr10-121432145-C-T.
Other names: short protein forms H296Y.
Identifiers: ClinVar variation 660129 (VCV000660129.9), dbSNP rs1268848002, ClinGen allele CA378296079.